The following is an entry in ClinVar:

NM_001372.4(DNAH9):c.5G>T (p.Arg2Leu)

Gene: DNAH9 (dynein axonemal heavy chain 9; plus strand). Cytogenetic location: 17p12.
Variant type: single nucleotide variant.
Coding change: c.5G>T on transcript NM_001372.4 (MANE Select); coding-DNA position 5, G replaced by T.
Protein change: p.Arg2Leu; replaces arginine 2 with leucine.
Molecular consequence: missense variant.
Genome position (GRCh38, 1-based): chr17:11,598,503, G>T. VCF-style: chr17-11598503-G-T. GRCh37 (hg19) VCF-style: chr17-11501820-G-T.
Other names: short protein forms R2L.
Identifiers: ClinVar variation 3618498 (VCV003618498.2).

ClinVar aggregate classification (germline): Uncertain significance (1 of 4 stars; one submission).

gnomAD v4.1: 10 of 1,357,284 alleles (0.00074%); highest among the groups gnomAD compares: African/African-American, 0.014%; no homozygotes.

Submission:

Labcorp Genetics (formerly Invitae), Labcorp
Classification: Uncertain significance. Last evaluated: 2025-06-12. Review status: criteria provided, single submitter. Criteria: Invitae Variant Classification Sherloc (09022015). Collection method: clinical testing. Allele origin: germline.
Comment: This sequence change replaces arginine, which is basic and polar, with leucine, which is neutral and non-polar, at codon 2 of the DNAH9 protein (p.Arg2Leu). This variant is not present in population databases (gnomAD no frequency). This variant has not been reported in the literature in individuals affected with DNAH9-related conditions. ClinVar contains an entry for this variant (Variation ID: 3618498). An algorithm developed to predict the effect of missense changes on protein structure and function outputs the following: PolyPhen-2: "Not Available". The leucine amino acid residue is found in multiple mammalian species, which suggests that this missense change does not adversely affect protein function. In summary, the available evidence is currently insufficient to determine the role of this variant in disease. Therefore, it has been classified as a Variant of Uncertain Significance.